The following is an entry in ClinVar:

ClinVar aggregate classification (germline): Uncertain significance (1 of 4 stars; one submission).

gnomAD v4.1: 16 of 1,613,336 alleles (0.00099%); highest among the groups gnomAD compares: Admixed American, 0.0017%; no homozygotes.

Submission:

Labcorp Genetics (formerly Invitae), Labcorp
Classification: Uncertain significance. Last evaluated: 2025-03-27. Review status: criteria provided, single submitter. Criteria: Invitae Variant Classification Sherloc (09022015). Collection method: clinical testing. Allele origin: germline.
Comment: This sequence change replaces isoleucine, which is neutral and non-polar, with threonine, which is neutral and polar, at codon 258 of the MSMO1 protein (p.Ile258Thr). This variant is present in population databases (rs758611793, gnomAD 0.006%). This variant has not been reported in the literature in individuals affected with MSMO1-related conditions. Invitae Evidence Modeling of protein sequence and biophysical properties (such as structural, functional, and spatial information, amino acid conservation, physicochemical variation, residue mobility, and thermodynamic stability) indicates that this missense variant is not expected to disrupt MSMO1 protein function with a negative predictive value of 80%. In summary, the available evidence is currently insufficient to determine the role of this variant in disease. Therefore, it has been classified as a Variant of Uncertain Significance.

NM_006745.5(MSMO1):c.773T>C (p.Ile258Thr)

Gene: MSMO1 (methylsterol monooxygenase 1; plus strand). Cytogenetic location: 4q32.3.
Variant type: single nucleotide variant.
Coding change: c.773T>C on transcript NM_006745.5 (MANE Select); coding-DNA position 773, T replaced by C.
Protein change: p.Ile258Thr; replaces isoleucine 258 with threonine.
Molecular consequence: missense variant.
Genome position (GRCh38, 1-based): chr4:165,341,837, T>C. VCF-style: chr4-165341837-T-C. GRCh37 (hg19) VCF-style: chr4-166262989-T-C.
Other names: c.380T>C, p.Ile127Thr (NM_001017369.3); c.773T>C, p.Ile258Thr (NM_001440534.1); short protein forms I127T, I258T.
Identifiers: ClinVar variation 4695620 (VCV004695620.1).
Genomic context (GRCh38, chr4:165,341,837, plus strand): 5'-TAAATCTGATCCCTTTCTATGCTGGTTCTCGGCATCATGATTTCCACCACATGAACTTCA[T>C]TGGAAACTATGCTTCAACATTTACATGGTGGGATCGAATTTTTGGAACAGACTCTCAGTA-3'
Protein context (NP_006736.1, residues 248-268): RHHDFHHMNF[Ile258Thr]GNYASTFTWW